The following is an entry in ClinVar:

ClinVar aggregate classification (germline): Uncertain significance (1 of 4 stars; one submission).

Conditions:
Chédiak-Higashi syndrome (CHS). Also called: Chediak-Higashi Syndrome. Identifiers: Orphanet 167, MedGen C0007965, MONDO:0008963, OMIM 214500.

Submission:

Labcorp Genetics (formerly Invitae), Labcorp
Classification: Uncertain significance for Chédiak-Higashi syndrome. Last evaluated: 2023-11-13. Review status: criteria provided, single submitter. Criteria: Invitae Variant Classification Sherloc (09022015). Collection method: clinical testing. Allele origin: germline.
Comment: This sequence change replaces threonine, which is neutral and polar, with serine, which is neutral and polar, at codon 2678 of the LYST protein (p.Thr2678Ser). This variant is not present in population databases (gnomAD no frequency). This variant has not been reported in the literature in individuals affected with LYST-related conditions. ClinVar contains an entry for this variant (Variation ID: 1716212). Advanced modeling of protein sequence and biophysical properties (such as structural, functional, and spatial information, amino acid conservation, physicochemical variation, residue mobility, and thermodynamic stability) performed at Invitae indicates that this missense variant is not expected to disrupt LYST protein function with a negative predictive value of 80%. In summary, the available evidence is currently insufficient to determine the role of this variant in disease. Therefore, it has been classified as a Variant of Uncertain Significance.

NM_000081.4(LYST):c.8032A>T (p.Thr2678Ser)

Gene: LYST (lysosomal trafficking regulator; minus strand). Cytogenetic location: 1q42.3.
Variant type: single nucleotide variant.
Coding change: c.8032A>T on transcript NM_000081.4 (MANE Select); coding-DNA position 8032, A replaced by T.
Protein change: p.Thr2678Ser; replaces threonine 2678 with serine.
Molecular consequence: missense variant.
Genome position (GRCh38, 1-based): chr1:235,744,098, T>A on the plus strand (A>T on the coding strand, the complement: LYST is on the minus strand). VCF-style: chr1-235744098-T-A. GRCh37 (hg19) VCF-style: chr1-235907398-T-A.
Other names: c.8032A>T, p.Thr2678Ser (NM_001301365.1); short protein forms T2678S.
Identifiers: ClinVar variation 1716212 (VCV001716212.5), dbSNP rs2527646956, ClinGen allele CA344925046.